The following is an entry in ClinVar:

ClinVar aggregate classification (germline): Uncertain significance. Review status: criteria provided, multiple submitters, no conflicts (2 of 4 stars). 2 submissions from 2 submitters: Uncertain significance (2). Last evaluated 2021-12-12.

Allele frequency attached by ClinVar (database versions not stated): TOPMed below 0.00001; gnomAD 0.00001.
gnomAD v4.1: 3 of 1,598,244 alleles (0.00019%); highest among the groups gnomAD compares: African/African-American, 0.0027%; no homozygotes.

Submissions (2):

Athena Diagnostics
Classification: Uncertain significance. Last evaluated: 2021-12-12. Review status: criteria provided, single submitter. Criteria: Athena Diagnostics Criteria. Collection method: clinical testing. Allele origin: unknown.

GeneDx
Classification: Uncertain significance. Last evaluated: 2019-05-21. Review status: criteria provided, single submitter. Criteria: GeneDx Variant Classification Process June 2021. Collection method: clinical testing. Allele origin: germline. Affected: yes.
Comment: In silico analysis, which includes protein predictors and evolutionary conservation, supports a deleterious effect; Has not been previously published as pathogenic or benign to our knowledge

NM_001378452.1(ITPR1):c.1240G>A (p.Val414Met)

Gene: ITPR1 (inositol 1,4,5-trisphosphate receptor type 1; plus strand). Cytogenetic location: 3p26.1.
Variant type: single nucleotide variant.
Coding change: c.1240G>A on transcript NM_001378452.1 (MANE Select); coding-DNA position 1240, G replaced by A.
Protein change: p.Val414Met; replaces valine 414 with methionine.
Molecular consequence: missense variant.
Genome position (GRCh38, 1-based): chr3:4,661,076, G>A. VCF-style: chr3-4661076-G-A. GRCh37 (hg19) VCF-style: chr3-4702760-G-A.
Other names: c.1240G>A, p.Val414Met (NM_001099952.4); c.1195G>A, p.Val399Met (NM_001168272.2, NM_002222.7); short protein forms V399M, V414M.
Identifiers: ClinVar variation 1302702 (VCV001302702.3), dbSNP rs1462970629, ClinGen allele CA351640379.